The following is an entry in ClinVar:

ClinVar aggregate classification (germline): Likely benign. Review status: reviewed by expert panel (3 of 4 stars). 17 submissions from 13 submitters: Likely benign (1). 16 of the submissions do not count toward it. Last evaluated 2026-07-20.

Conditions:
CEP290-related ciliopathy. Also called: CEP290 ciliopathy. Identifiers: MedGen CN305601, MONDO:0100451.
CEP290-related disorder. Also called: CEP290-related condition; CEP290-related disorders. Identifiers: MedGen CN239314.
Joubert syndrome. Also called: Familial aplasia of the vermis; JOUBERT-BOLTSHAUSER SYNDROME. Identifiers: Orphanet 475, MedGen C5979921, MONDO:0018772.
Nephronophthisis. Also called: Juvenile Nephronophthisis. Identifiers: Orphanet 655, MedGen C0687120, MONDO:0019005, HP:0000090.
Meckel-Gruber syndrome. Also called: DYSENCEPHALIA SPLANCHNOCYSTICA; Dysencephalia splachnocystica; GRUBER SYNDROME. Identifiers: Orphanet 564, MedGen C0265215, MONDO:0018921.
Retinal dystrophy. Also called: Inherited retinal dystrophy. Identifiers: Orphanet 71862, MedGen C0854723, MeSH D058499, MONDO:0019118, HP:0000556.
Leber congenital amaurosis (LCA). Also called: Leber's amaurosis. Identifiers: Orphanet 65, MedGen C0339527, MeSH D057130, MONDO:0018998.
Meckel syndrome, type 4 (MKS4). Also called: MECKEL-GRUBER SYNDROME, TYPE 4. Identifiers: Orphanet 564, MedGen C1970161, MONDO:0012626, OMIM 611134.
Bardet-Biedl syndrome 14 (BBS14). Identifiers: Orphanet 110, MedGen C2673874, MONDO:0014442, OMIM 615991.
Leber congenital amaurosis 10 (LCA10). Identifiers: Orphanet 65, MedGen C1857821, MONDO:0012723, OMIM 611755.
Senior-Loken syndrome 6 (SLSN6). Identifiers: Orphanet 3156, MedGen C1857779, MONDO:0012433, OMIM 610189.
Joubert syndrome 5 (JBTS5). Identifiers: Orphanet 2318, MedGen C1857780, MONDO:0012432, OMIM 610188.

Allele frequency attached by ClinVar (database versions not stated): 1000 Genomes Project 30x 0.00094; 1000 Genomes Project 0.00120; ExAC 0.00145; gnomAD exomes 0.00173; ESP Exome Variant Server 0.00211; TOPMed 0.00220; gnomAD 0.00231 and 0.00241.
gnomAD v4.1: 5,427 of 1,609,320 alleles (0.34%); highest among the groups gnomAD compares: Non-Finnish European, 0.42%; 13 homozygotes.

Submissions (17):

ClinGen Leber Congenital Amaurosis/early Onset Retinal Dystrophy Variant Curation Expert Panel, ClinGen
Classification: Likely benign for CEP290-related ciliopathy. Last evaluated: 2026-07-20. Review status: reviewed by expert panel. Criteria: ClinGen LCAeoRD ACMG Specifications CEP290 V1.0.0. Collection method: curation. Allele origin: germline. Inheritance: Autosomal recessive inheritance.
Comment: NM_025114.4(CEP290):c.2980G>A (p.Glu994Lys) is a missense variant that replaces glutamic acid with lysine at amino acid 994. This variant is present in gnomAD v4.1.1 at a Grpmax allele frequency of 0.004140, with 4,993 alleles / 1,177,958 total alleles in the European (non-Finnish) population, which is higher than the ClinGen LCA/eoRD VCEP BS1 threshold of >0.0016 (BS1). This variant has been found in the homozygous state in 13 adult individuals in gnomAD, which exceeds the LCA/eoRD VCEP threshold of ≥6 (gnomAD version 4.1.1; BS2). This variant has been reported in at least 1 proband with diagnosis of Leber congenital amaurosis who was compound heterozygous with the NM_025114.4(CEP290):c.2991+1655A>G variant suspected in trans, which was previously classified pathogenic by the ClinGen LCA/eoRD VCEP (PMID: 29398085). Application of PM3 is contingent on the allele frequency of the variant being assessed and the variant presumably on the other allele both being sufficiently rare (meeting PM2_Supporting), so PM3 does not apply. The computational predictor CADD gives a PHRED score of 25.6, which is above the ClinGen LCA/eoRD VCEP threshold of ≥25.3 and predicts a damaging effect on CEP290 protein function (PP3). In addition, the splicing impact predictor SpliceAI gives a delta score of 0.06 for acceptor loss, which is below the ClinGen LCA/eoRD VCEP recommended threshold of ≤0.1 and does not predict an impact on splicing. In summary, this variant meets the criteria to be classified as Likely Benign for CEP290-related ciliopathy based on the ACMG/AMP criteria applied, as specified by the ClinGen LCA/eoRD VCEP: BS1, BS2, and PP3. (LCA/eoRD VCEP Specifications for CEP290 Version 1.0.0)

CeGaT Center for Human Genetics Tuebingen
Classification: Likely benign. Last evaluated: 2026-03-01. Review status: criteria provided, single submitter. Criteria: CeGaT Center For Human Genetics Tuebingen Variant Classification Criteria Version 2. Collection method: clinical testing. Allele origin: germline. Affected: yes. Observed: 6 variant alleles. Not counted in ClinVar's aggregate classification.
Comment: CEP290: BS2

Labcorp Genetics (formerly Invitae), Labcorp
Classification: Benign for Joubert syndrome; Meckel-Gruber syndrome; Nephronophthisis. Last evaluated: 2026-02-04. Review status: criteria provided, single submitter. Criteria: Invitae Variant Classification Sherloc (09022015). Collection method: clinical testing. Allele origin: germline. Not counted in ClinVar's aggregate classification.

Blueprint Genetics
Classification: Likely benign. Last evaluated: 2024-10-28. Review status: criteria provided, single submitter. Criteria: ACMG Guidelines, 2015. Collection method: clinical testing. Allele origin: germline. Not counted in ClinVar's aggregate classification.

Institute of Human Genetics, Univ. Regensburg, Univ. Regensburg
Classification: Uncertain significance for Retinal dystrophy. Last evaluated: 2023-01-01. Review status: criteria provided, single submitter. Criteria: ACMG Guidelines, 2015. Collection method: clinical testing. Allele origin: germline. Affected: yes. Not counted in ClinVar's aggregate classification.

GeneDx
Classification: Likely benign. Last evaluated: 2021-05-12. Review status: criteria provided, single submitter. Criteria: GeneDx Variant Classification Process June 2021. Collection method: clinical testing. Allele origin: germline. Affected: yes. Not counted in ClinVar's aggregate classification.
Comment: This variant is associated with the following publications: (PMID: 29970488, 25097241, 29398085)

Eurofins Ntd Llc (ga)
Classification: Uncertain significance. Last evaluated: 2017-08-22. Review status: criteria provided, single submitter. Criteria: EGL Classification Definitions 2015. Collection method: clinical testing. Allele origin: germline. Observed: 6 variant alleles, 6 heterozygotes. Not counted in ClinVar's aggregate classification.

Illumina Laboratory Services, Illumina
Classification: Uncertain significance for Meckel syndrome, type 4. Last evaluated: 2017-04-27. Review status: criteria provided, single submitter. Criteria: ICSL Variant Classification Criteria 13 December 2019. Collection method: clinical testing. Allele origin: germline. Not counted in ClinVar's aggregate classification.
Comment: This variant was observed as part of a predisposition screen in an ostensibly healthy population. A literature search was performed for the gene, cDNA change, and amino acid change (where applicable). Publications were found based on this search. However, the evidence from the literature, in combination with allele frequency data from public databases where available, was not sufficient to rule this variant in or out of causing disease. Therefore, this variant is classified as a variant of unknown significance.

Illumina Laboratory Services, Illumina
Classification: Uncertain significance for Leber congenital amaurosis 10. Last evaluated: 2017-04-27. Review status: criteria provided, single submitter. Criteria: ICSL Variant Classification Criteria 13 December 2019. Collection method: clinical testing. Allele origin: germline. Not counted in ClinVar's aggregate classification.
Comment: the same text as in the submission from Illumina Laboratory Services, Illumina above.

Illumina Laboratory Services, Illumina
Classification: Uncertain significance for Joubert syndrome 5. Last evaluated: 2017-04-27. Review status: criteria provided, single submitter. Criteria: ICSL Variant Classification Criteria 13 December 2019. Collection method: clinical testing. Allele origin: germline. Not counted in ClinVar's aggregate classification.
Comment: the same text as in the submission from Illumina Laboratory Services, Illumina above.

Illumina Laboratory Services, Illumina
Classification: Uncertain significance for Bardet-Biedl syndrome 14. Last evaluated: 2017-04-27. Review status: criteria provided, single submitter. Criteria: ICSL Variant Classification Criteria 13 December 2019. Collection method: clinical testing. Allele origin: germline. Not counted in ClinVar's aggregate classification.
Comment: the same text as in the submission from Illumina Laboratory Services, Illumina above.

Illumina Laboratory Services, Illumina
Classification: Uncertain significance for Senior-Loken syndrome 6. Last evaluated: 2017-04-27. Review status: criteria provided, single submitter. Criteria: ICSL Variant Classification Criteria 13 December 2019. Collection method: clinical testing. Allele origin: germline. Not counted in ClinVar's aggregate classification.
Comment: the same text as in the submission from Illumina Laboratory Services, Illumina above.

Mayo Clinic Laboratories, Mayo Clinic
Classification: Uncertain significance for Joubert syndrome 5. Last evaluated: 2017-01-05. Review status: criteria provided, single submitter. Criteria: ACMG Guidelines, 2015. Collection method: clinical testing. Allele origin: paternal. Not counted in ClinVar's aggregate classification.

Center for Pediatric Genomic Medicine, Children's Mercy Hospital and Clinics
Classification: Uncertain significance. Last evaluated: 2016-01-18. Review status: criteria provided, single submitter. Criteria: ACMG Guidelines, 2015. Collection method: clinical testing. Allele origin: germline. Not counted in ClinVar's aggregate classification.
ClinVar note: Converted during submission from Uncertain Significance to Uncertain significance.

Genetic Services Laboratory, University of Chicago
Classification: Uncertain significance. Last evaluated: 2015-07-29. Review status: criteria provided, single submitter. Criteria: ACMG Guidelines, 2015. Collection method: clinical testing. Allele origin: germline. Not counted in ClinVar's aggregate classification.

PreventionGenetics, part of Exact Sciences
Classification: Likely benign for CEP290-related condition. Last evaluated: 2022-01-28. Review status: no assertion criteria provided. Collection method: clinical testing. Allele origin: germline. Not counted in ClinVar's aggregate classification.
Comment: This variant is classified as likely benign based on ACMG/AMP sequence variant interpretation guidelines (Richards et al. 2015 PMID: 25741868, with internal and published modifications).

Natera, Inc.
Classification: Likely benign for Leber congenital amaurosis. Last evaluated: 2020-04-17. Review status: no assertion criteria provided. Collection method: clinical testing. Allele origin: germline. Not counted in ClinVar's aggregate classification.

Literature cited by the submitters: PubMed 25097241 (cited by Institute of Human Genetics, Univ. Regensburg, Univ. Regensburg and Illumina Laboratory Services, Illumina); PubMed 29970488 (cited by Institute of Human Genetics, Univ. Regensburg, Univ. Regensburg); PubMed 29398085 (cited by Institute of Human Genetics, Univ. Regensburg, Univ. Regensburg); PubMed 32483926 (cited by Institute of Human Genetics, Univ. Regensburg, Univ. Regensburg).

NM_025114.4(CEP290):c.2980G>A (p.Glu994Lys)

Gene: CEP290 (centrosomal protein 290; minus strand). Cytogenetic location: 12q21.32.
Variant type: single nucleotide variant.
Coding change: c.2980G>A on transcript NM_025114.4 (MANE Select); coding-DNA position 2980, G replaced by A.
Protein change: p.Glu994Lys; replaces glutamic acid 994 with lysine.
Molecular consequence: missense variant.
Genome position (GRCh38, 1-based): chr12:88,102,849, C>T on the plus strand (G>A on the coding strand, the complement: CEP290 is on the minus strand). VCF-style: chr12-88102849-C-T. GRCh37 (hg19) VCF-style: chr12-88496626-C-T.
Other names: NM_025114.4(CEP290):c.2980G>A; p.Glu994Lys; short protein forms E994K.
Identifiers: ClinVar variation 195989 (VCV000195989.74), dbSNP rs182369459, ClinGen allele CA205610.
Genomic context (GRCh38, chr12:88,102,849, plus strand): 5'-TGAAGAAAAATGGCTAATTTCACAAGGTTCAAGAATCACACAAACTTACCTCCAGGTGTT[C>T]CAAGTTACTTGTTCTTTGAACAAGCATATTATCTTTTTGCAAGATGTCCCTGTACTTAGC-3'
Protein context (NP_079390.3, residues 984-1004): NMLVQRTSNL[Glu994Lys]HLECENISLK